The following is an entry in ClinVar:

ClinVar aggregate classification (germline): Uncertain significance (1 of 4 stars; one submission).

Conditions:
Episodic ataxia type 1 (EA1). Also called: ATAXIA, EPISODIC, WITH MYOKYMIA; Episodic ataxia/myokymia syndrome; MYOKYMIA WITH PERIODIC ATAXIA; PAROXYSMAL ATAXIA WITH NEUROMYOTONIA, HEREDITARY. Identifiers: Orphanet 37612, Orphanet 972, MedGen C1719788, MONDO:0008047, OMIM 160120.

Submission:

Labcorp Genetics (formerly Invitae), Labcorp
Classification: Uncertain significance for Episodic ataxia type 1. Last evaluated: 2024-01-10. Review status: criteria provided, single submitter. Criteria: Invitae Variant Classification Sherloc (09022015). Collection method: clinical testing. Allele origin: germline.
Comment: This sequence change replaces aspartic acid, which is acidic and polar, with tyrosine, which is neutral and polar, at codon 74 of the KCNA1 protein (p.Asp74Tyr). This variant is not present in population databases (gnomAD no frequency). This variant has not been reported in the literature in individuals affected with KCNA1-related conditions. Advanced modeling of protein sequence and biophysical properties (such as structural, functional, and spatial information, amino acid conservation, physicochemical variation, residue mobility, and thermodynamic stability) performed at Invitae indicates that this missense variant is expected to disrupt KCNA1 protein function with a positive predictive value of 80%. In summary, the available evidence is currently insufficient to determine the role of this variant in disease. Therefore, it has been classified as a Variant of Uncertain Significance.

NM_000217.3(KCNA1):c.220G>T (p.Asp74Tyr)

Gene: KCNA1 (potassium voltage-gated channel subfamily A member 1; plus strand). Cytogenetic location: 12p13.32.
Variant type: single nucleotide variant.
Coding change: c.220G>T on transcript NM_000217.3 (MANE Select); coding-DNA position 220, G replaced by T.
Protein change: p.Asp74Tyr; replaces aspartic acid 74 with tyrosine.
Molecular consequence: missense variant.
Genome position (GRCh38, 1-based): chr12:4,911,598, G>T. VCF-style: chr12-4911598-G-T. GRCh37 (hg19) VCF-style: chr12-5020764-G-T.
Other names: short protein forms D74Y.
Identifiers: ClinVar variation 2965591 (VCV002965591.3), dbSNP rs1947351968, ClinGen allele CA383454065.